The following is an entry in ClinVar:

NM_152713.5(STT3A):c.1877T>C (p.Val626Ala)

Gene: STT3A (STT3 oligosaccharyltransferase complex catalytic subunit A; plus strand). Cytogenetic location: 11q24.2.
Variant type: single nucleotide variant.
Coding change: c.1877T>C on transcript NM_152713.5 (MANE Select); coding-DNA position 1877, T replaced by C.
Protein change: p.Val626Ala; replaces valine 626 with alanine.
Molecular consequence: missense variant.
Genome position (GRCh38, 1-based): chr11:125,618,475, T>C. VCF-style: chr11-125618475-T-C. GRCh37 (hg19) VCF-style: chr11-125488370-T-C.
Other names: c.1877T>C, p.Val626Ala (NM_001278503.2); c.1601T>C, p.Val534Ala (NM_001278504.2); short protein forms V626A, V534A.
Identifiers: ClinVar variation 102443 (VCV000102443.7), dbSNP rs587777216, ClinGen allele CA249894.

ClinVar aggregate classification (germline): Likely pathogenic. Review status: criteria provided, single submitter (1 of 4 stars). 2 submissions from 2 submitters: Likely pathogenic (1). 1 of the submissions does not count toward it. Last evaluated 2024-01-19.

Conditions:
STT3A-congenital disorder of glycosylation. Also called: CONGENITAL DISORDER OF GLYCOSYLATION, TYPE Iw, AUTOSOMAL RECESSIVE; STT3A-CDG; Congenital disorder of glycosylation type 1w. Identifiers: Orphanet 370921, MedGen C5561935, MONDO:0014270, OMIM 615596.

Allele frequency attached by ClinVar (database versions not stated): gnomAD exomes below 0.00001.
gnomAD v4.1: 2 of 1,614,106 alleles (0.00012%); highest among the groups gnomAD compares: Non-Finnish European, 0.00017%; no homozygotes.

Submissions (2):

Labcorp Genetics (formerly Invitae), Labcorp
Classification: Likely pathogenic. Last evaluated: 2024-01-19. Review status: criteria provided, single submitter. Criteria: Invitae Variant Classification Sherloc (09022015). Collection method: clinical testing. Allele origin: germline.
Comment: This sequence change replaces valine, which is neutral and non-polar, with alanine, which is neutral and non-polar, at codon 626 of the STT3A protein (p.Val626Ala). This variant is not present in population databases (gnomAD no frequency). This missense change has been observed in individual(s) with congenital disorder of glycosylation (PMID: 23842455, 28424003). It has also been observed to segregate with disease in related individuals. ClinVar contains an entry for this variant (Variation ID: 102443). Advanced modeling of protein sequence and biophysical properties (such as structural, functional, and spatial information, amino acid conservation, physicochemical variation, residue mobility, and thermodynamic stability) performed at Invitae indicates that this missense variant is not expected to disrupt STT3A protein function with a negative predictive value of 80%. Studies have shown that this missense change alters STT3A gene expression (PMID: 23842455). In summary, the currently available evidence indicates that the variant is pathogenic, but additional data are needed to prove that conclusively. Therefore, this variant has been classified as Likely Pathogenic.

OMIM
Classification: Pathogenic for CONGENITAL DISORDER OF GLYCOSYLATION, TYPE Iw, AUTOSOMAL RECESSIVE. Last evaluated: 2013-11-15. Review status: no assertion criteria provided. Collection method: literature only. Allele origin: germline. Not counted in ClinVar's aggregate classification.

Literature cited by the submitters: PubMed 23842455 (cited by Labcorp Genetics (formerly Invitae), Labcorp and OMIM); PubMed 28424003 (cited by Labcorp Genetics (formerly Invitae), Labcorp and OMIM).